The following is an entry in ClinVar:

ClinVar aggregate classification (germline): Uncertain significance. Review status: criteria provided, multiple submitters, no conflicts (2 of 4 stars). 2 submissions from 2 submitters: Uncertain significance (2). Last evaluated 2025-07-02.

Conditions:
Amyotrophic lateral sclerosis type 4 (ALS4). Also called: AMYOTROPHIC LATERAL SCLEROSIS 4, JUVENILE; NEURONOPATHY, DISTAL HEREDITARY MOTOR, WITH PYRAMIDAL FEATURES. Identifiers: Orphanet 357043, MedGen C1865409, MONDO:0011223, OMIM 602433.
Spinocerebellar ataxia, autosomal recessive, with axonal neuropathy 2 (SCAN2). Also called: Ataxia with Oculomotor Apraxia Type 2; ATAXIA-OCULOMOTOR APRAXIA 2; Ataxia with Oculomotor Apraxia; Ataxia-ocular apraxia-2. Identifiers: Orphanet 64753, MedGen C1853761, MONDO:0018996, OMIM 606002.
SETX-related disorder. Also called: SETX-related condition; SETX-related disorders. Identifiers: MedGen CN239403.

Submissions (2):

PreventionGenetics, part of Exact Sciences
Classification: Uncertain significance for SETX-related condition. Last evaluated: 2025-07-02. Review status: criteria provided, single submitter. Criteria: ACMG Guidelines, 2015. Collection method: clinical testing. Allele origin: germline.
Comment: The SETX c.4382C>T variant is predicted to result in the amino acid substitution p.Ser1461Leu. To our knowledge, this variant has not been reported in the literature or in a large population database (gnomAD), indicating this variant is rare. At this time, the clinical significance of this variant is uncertain due to the absence of conclusive functional and genetic evidence.

Labcorp Genetics (formerly Invitae), Labcorp
Classification: Uncertain significance for Amyotrophic lateral sclerosis type 4; Spinocerebellar ataxia, autosomal recessive, with axonal neuropathy 2. Last evaluated: 2025-06-02. Review status: criteria provided, single submitter. Criteria: Invitae Variant Classification Sherloc (09022015). Collection method: clinical testing. Allele origin: germline.
Comment: This sequence change replaces serine, which is neutral and polar, with leucine, which is neutral and non-polar, at codon 1461 of the SETX protein (p.Ser1461Leu). This variant is not present in population databases (gnomAD no frequency). This variant has not been reported in the literature in individuals affected with SETX-related conditions. Invitae Evidence Modeling of protein sequence and biophysical properties (such as structural, functional, and spatial information, amino acid conservation, physicochemical variation, residue mobility, and thermodynamic stability) indicates that this missense variant is not expected to disrupt SETX protein function with a negative predictive value of 95%. In summary, the available evidence is currently insufficient to determine the role of this variant in disease. Therefore, it has been classified as a Variant of Uncertain Significance.

NM_015046.7(SETX):c.4382C>T (p.Ser1461Leu)

Gene: SETX (senataxin; minus strand). Cytogenetic location: 9q34.13.
Variant type: single nucleotide variant.
Coding change: c.4382C>T on transcript NM_015046.7 (MANE Select); coding-DNA position 4382, C replaced by T.
Protein change: p.Ser1461Leu; replaces serine 1461 with leucine.
Molecular consequence: missense variant.
Genome position (GRCh38, 1-based): chr9:132,327,216, G>A on the plus strand (C>T on the coding strand, the complement: SETX is on the minus strand). VCF-style: chr9-132327216-G-A. GRCh37 (hg19) VCF-style: chr9-135202603-G-A.
Other names: c.4382C>T, p.Ser1461Leu (NM_001351527.2, NM_001351528.2); short protein forms S1461L.
Identifiers: ClinVar variation 4789534 (VCV004789534.2).
Genomic context (GRCh38, chr9:132,327,216, plus strand): 5'-TTCAAAGCTGCCATCTCTATATGACGTGCTGTTGGATCACCTCCACCCAGAGGGTCTTCT[G>A]AAGTGGAGACAATTACTTCATTTGTTGGTACTGTTCCATTTAACACTACAGAATCACACT-3'
Protein context (NP_055861.3, residues 1451-1471): VPTNEVIVST[Ser1461Leu]EDPLGGGDPT